The following is an entry in ClinVar:

ClinVar aggregate classification (germline): Uncertain significance (1 of 4 stars; one submission).

Conditions:
Hereditary pancreatitis (PCTT). Also called: PRSS1-Related Hereditary Pancreatitis; Hereditary chronic pancreatitis. Identifiers: Orphanet 676, MedGen C0238339, MONDO:0008185, OMIM 167800.

Allele frequency attached by ClinVar (database versions not stated): gnomAD exomes 0.00001; ExAC 0.00003; gnomAD 0.00003; 1000 Genomes Project 30x 0.00016; 1000 Genomes Project 0.00020.
gnomAD v4.1: 7 of 1,613,696 alleles (0.00043%); highest among the groups gnomAD compares: African/African-American, 0.004%; no homozygotes.

Submission:

Labcorp Genetics (formerly Invitae), Labcorp
Classification: Uncertain significance for Hereditary pancreatitis. Last evaluated: 2024-09-03. Review status: criteria provided, single submitter. Criteria: Invitae Variant Classification Sherloc (09022015). Collection method: clinical testing. Allele origin: germline.
Comment: This sequence change replaces serine, which is neutral and polar, with asparagine, which is neutral and polar, at codon 10 of the SPINK1 protein (p.Ser10Asn). This variant is present in population databases (rs543771454, gnomAD 0.007%). This missense change has been observed in individual(s) with chronic pancreatitis (PMID: 22343981). ClinVar contains an entry for this variant (Variation ID: 2162264). An algorithm developed to predict the effect of missense changes on protein structure and function (PolyPhen-2) suggests that this variant is likely to be tolerated. In summary, the available evidence is currently insufficient to determine the role of this variant in disease. Therefore, it has been classified as a Variant of Uncertain Significance.

Literature cited by the submitters: PubMed 22343981.

NM_001379610.1(SPINK1):c.29G>A (p.Ser10Asn)

Gene: SPINK1 (serine peptidase inhibitor Kazal type 1; minus strand). Cytogenetic location: 5q32.
Variant type: single nucleotide variant.
Coding change: c.29G>A on transcript NM_001379610.1 (MANE Select); coding-DNA position 29, G replaced by A.
Protein change: p.Ser10Asn; replaces serine 10 with asparagine.
Molecular consequence: missense variant.
Genome position (GRCh38, 1-based): chr5:147,831,549, C>T on the plus strand (G>A on the coding strand, the complement: SPINK1 is on the minus strand). VCF-style: chr5-147831549-C-T. GRCh37 (hg19) VCF-style: chr5-147211112-C-T.
Other names: c.29G>A, p.Ser10Asn (NM_001354966.2, NM_003122.5); short protein forms S10N.
Identifiers: ClinVar variation 2162264 (VCV002162264.4), dbSNP rs543771454, ClinGen allele CA3494830.
Genomic context (GRCh38, chr5:147,831,549, plus strand): 5'-TTTTATTTAAATTTGAAAAATATGCAACACTTACCAGATAGACTCAACAGGGCCAAGGCA[C>T]TGAGAAGAAAGATGCCTGTTACCTTCATGGCTGAAGTTCTGCGTCCAGAGGTCAGTTGAA-3'
Protein context (NP_001366539.1, residues 1-20): MKVTGIFLL[Ser10Asn]ALALLSLSGN